The following is an entry in ClinVar:

ClinVar aggregate classification (germline): Conflicting classifications of pathogenicity. Review status: criteria provided, conflicting classifications (1 of 4 stars). 4 submissions from 4 submitters: Uncertain significance (3); Benign (1). Last evaluated 2025-10-01.

Conditions:
Hereditary cancer-predisposing syndrome. Also called: Neoplastic Syndromes, Hereditary; Hereditary Cancer Syndrome; Hereditary neoplastic syndrome; Tumor predisposition. Identifiers: Orphanet 140162, MedGen C0027672, MeSH D009386, MONDO:0015356.
Tuberous sclerosis 2 (TSC2). Identifiers: Orphanet 805, MedGen C1860707, MONDO:0013199, OMIM 613254.
Tuberous sclerosis syndrome (TSC). Also called: Tuberous Sclerosis Complex; Tuberous sclerosis. Identifiers: Orphanet 805, MedGen C0041341, MONDO:0001734.
Lymphangiomyomatosis (LAM). Also called: Lymphangioleiomyomatosis, somatic; Lymphangioleiomyomatosis. Identifiers: Orphanet 538, MedGen C0751674, MONDO:0011705, OMIM 606690.
Isolated focal cortical dysplasia type II (FCORD2). Also called: CORTICAL DYSPLASIA OF TAYLOR; Focal cortical dysplasia type II. Identifiers: Orphanet 268994, MedGen C1846385, MONDO:0011818, OMIM 607341, HP:0032051.

Allele frequency attached by ClinVar (database versions not stated): gnomAD exomes below 0.00001.
gnomAD v4.1: 4 of 1,611,058 alleles (0.00025%); highest among the groups gnomAD compares: Non-Finnish European, 0.00034%; no homozygotes.

Submissions (4):

Labcorp Genetics (formerly Invitae), Labcorp
Classification: Benign for Tuberous sclerosis 2. Last evaluated: 2025-10-01. Review status: criteria provided, single submitter. Criteria: Invitae Variant Classification Sherloc (09022015). Collection method: clinical testing. Allele origin: germline.

Fulgent Genetics
Classification: Uncertain significance for Lymphangiomyomatosis; Isolated focal cortical dysplasia type II; Tuberous sclerosis 2. Last evaluated: 2024-01-17. Review status: criteria provided, single submitter. Criteria: ACMG Guidelines, 2015. Collection method: clinical testing. Allele origin: germline.

All of Us Research Program, National Institutes of Health
Classification: Uncertain significance for Tuberous sclerosis syndrome. Last evaluated: 2023-11-30. Review status: criteria provided, single submitter. Criteria: ACMG Guidelines, 2015. Collection method: clinical testing. Allele origin: germline. Inheritance: Autosomal dominant inheritance. Observed: 1 variant allele, 1 heterozygote.
Comment: This study involves interpretation of variants in research participants for the purpose of population health screening. Participant phenotype was not available at the time of variant classification. Additional details can be found in publication PMID: 35346344, PMCID: PMC8962531

Ambry Genetics
Classification: Uncertain significance for Hereditary cancer-predisposing syndrome. Last evaluated: 2015-12-03. Review status: criteria provided, single submitter. Criteria: Ambry Variant Classification Scheme 2023. Collection method: clinical testing. Allele origin: germline.
Comment: The p.V1100M variant (also known as c.3298G>A), located in coding exon 28 of the TSC2 gene, results from a G to A substitution at nucleotide position 3298. The valine at codon 1100 is replaced by methionine, an amino acid with highly similar properties. This variant was not reported in population based cohorts in the following databases: Database of Single Nucleotide Polymorphisms (dbSNP), NHLBI Exome Sequencing Project (ESP), and 1000 Genomes Project. In the ESP, this variant was not observed in 6472 samples (12944 alleles) with coverage at this position. To date, this alteration has been detected with an allele frequency of approximately 0.01% (greater than 10000 alleles tested) in our clinical cohort. This amino acid position is poorly conserved in available vertebrate species. In addition, this alteration is predicted to be tolerated by in silico analysis. Since supporting evidence is limited at this time, the clinical significance of p.V1100M remains unclear.

NM_000548.5(TSC2):c.3298G>A (p.Val1100Met)

Gene: TSC2 (TSC complex subunit 2; plus strand). Cytogenetic location: 16p13.3.
Variant type: single nucleotide variant.
Coding change: c.3298G>A on transcript NM_000548.5 (MANE Select); coding-DNA position 3298, G replaced by A.
Protein change: p.Val1100Met; replaces valine 1100 with methionine.
Molecular consequence: missense variant.
Genome position (GRCh38, 1-based): chr16:2,079,570, G>A. VCF-style: chr16-2079570-G-A. GRCh37 (hg19) VCF-style: chr16-2129571-G-A.
Other names: c.3166G>A, p.Val1056Met (NM_001077183.3, NM_001370404.1); c.3298G>A, p.Val1100Met (NM_001114382.3); c.3058G>A, p.Val1020Met (NM_001318827.2); c.3022G>A, p.Val1008Met (NM_001318829.2); c.2566G>A, p.Val856Met (NM_001318831.2); c.3199G>A, p.Val1067Met (NM_001318832.2); c.3169G>A, p.Val1057Met (NM_001363528.2, NM_001370405.1, NM_021055.3); short protein forms V1008M, V1020M, V1056M, V1057M, V1067M, V1100M, V856M.
Identifiers: ClinVar variation 847784 (VCV000847784.14), dbSNP rs1596385749, ClinGen allele CA394286490.
Genomic context (GRCh38, chr16:2,079,570, plus strand): 5'-CCAGCCTGGGGACTAAGTCCACCCTGTGCGTGGGATTCTCTTCTCAGCTCCAGCCCCGGG[G>A]TGCATGTGAGACAGACCAAGGAGGCGCCGGCCAAGCTGGAGTCCCAGGCTGGGCAGCAGG-3'
Protein context (NP_000539.2, residues 1090-1110): SGPESSSSPG[Val1100Met]HVRQTKEAPA